The following is an entry in ClinVar:

NM_000168.6(GLI3):c.1360C>T (p.Gln454Ter)

Gene: GLI3 (GLI family zinc finger 3; minus strand). Cytogenetic location: 7p14.1.
Variant type: single nucleotide variant.
Coding change: c.1360C>T on transcript NM_000168.6 (MANE Select); coding-DNA position 1360, C replaced by T.
Protein change: p.Gln454Ter; replaces glutamine 454 with a stop codon.
Molecular consequence: nonsense.
Genome position (GRCh38, 1-based): chr7:42,023,605, G>A on the plus strand (C>T on the coding strand, the complement: GLI3 is on the minus strand). VCF-style: chr7-42023605-G-A. GRCh37 (hg19) VCF-style: chr7-42063204-G-A.
Other names: short protein forms Q454*.
Identifiers: ClinVar variation 5018765 (VCV005018765.1).

ClinVar aggregate classification (germline): Likely pathogenic (1 of 4 stars; one submission).

Conditions:
Polysyndactyly 4. Also called: Polysyndactyly uncomplicated; Preaxial polydactyly 4. Identifiers: Orphanet 93338, MedGen C1868111, MONDO:0008272, OMIM 174700.
Polydactyly, postaxial, type A1. Identifiers: MedGen C4282400, MONDO:0008266, OMIM 174200.
Pallister-Hall syndrome (PHS). Also called: HYPOTHALAMIC HAMARTOBLASTOMA, HYPOPITUITARISM, IMPERFORATE ANUS, AND POSTAXIAL POLYDACTYLY; GLI3-Related Pallister-Hall Syndrome. Identifiers: Orphanet 672, MedGen C0265220, MONDO:0007804, OMIM 146510.
Greig cephalopolysyndactyly syndrome (GCPS). Also called: POLYSYNDACTYLY WITH PECULIAR SKULL SHAPE; Greig syndrome; GLI3-Related Greig Cephalopolysyndactyly Syndrome. Identifiers: Orphanet 380, MedGen C0265306, MONDO:0008287, OMIM 175700.

Submission:

Juno Genomics, Hangzhou Juno Genomics, Inc
Classification: Likely pathogenic for Greig cephalopolysyndactyly syndrome; Pallister-Hall syndrome; Polydactyly, postaxial, type A1; Polysyndactyly 4. Review status: criteria provided, single submitter. Criteria: ACMG Guidelines, 2015. Collection method: clinical testing. Allele origin: germline. Affected: yes.
Comment: Absent from controls (or at extremely low frequency if recessive) in Genome Aggregation Database.;Null variant in a gene where loss of function (LOF) is a known mechanism of disease.